The following is an entry in ClinVar:

NM_201384.3(PLEC):c.7356C>T (p.Ile2452=)

Gene: PLEC (plectin; minus strand). Cytogenetic location: 8q24.3.
Variant type: single nucleotide variant.
Coding change: c.7356C>T on transcript NM_201384.3 (MANE Select); coding-DNA position 7356, C replaced by T.
Protein change: p.Ile2452=; no amino-acid change (isoleucine 2452 retained).
Molecular consequence: synonymous variant.
Genome position (GRCh38, 1-based): chr8:143,922,573, G>A on the plus strand (C>T on the coding strand, the complement: PLEC is on the minus strand). VCF-style: chr8-143922573-G-A. GRCh37 (hg19) VCF-style: chr8-144996741-G-A.
Other names: c.7437C>T, p.Ile2479= (NM_000445.5); c.7314C>T, p.Ile2438= (NM_201378.4); c.7290C>T, p.Ile2430= (NM_201379.3); c.7767C>T, p.Ile2589= (NM_201380.4); c.7260C>T, p.Ile2420= (NM_201381.3); c.7356C>T, p.Ile2452= (NM_201382.4); c.7368C>T, p.Ile2456= (NM_201383.3); c.7437C>T (NM_000445.4, NM_000445.3).
Identifiers: ClinVar variation 1169490 (VCV001169490.34), dbSNP rs199958797, ClinGen allele CA4925678.
Genomic context (GRCh38, chr8:143,922,573, plus strand): 5'-CTTGAGCTGCAGCAGTTTGGCCTCCTGTTGGAGCTTCTCCTTCTCACGCTCCAGCTCAGC[G>A]ATGGCCTCCCGCAGGCGCTCGGCATCATGGTCACTCTGCTGTCGCTGGATCTCCAGTGTC-3'
Protein context (NP_958786.1, residues 2442-2462): DHDAERLREA[Ile2452=]AELEREKEKL

ClinVar aggregate classification (germline): Benign/Likely benign. Review status: criteria provided, multiple submitters, no conflicts (2 of 4 stars). 5 submissions from 5 submitters: Benign (2); Likely benign (3). Last evaluated 2025-09-28.

Conditions:
Epidermolysis bullosa simplex, Ogna type (EBS5A). Also called: Pidermolysis bullosa simplex 5A, Ogna type; EPIDERMOLYSIS BULLOSA SIMPLEX 5A, OGNA TYPE. Identifiers: Orphanet 79401, MedGen C0432317, MONDO:0007555, OMIM 131950.
Autosomal recessive limb-girdle muscular dystrophy type 2Q (LGMDR17). Also called: MUSCULAR DYSTROPHY, LIMB-GIRDLE, AUTOSOMAL RECESSIVE 17. Identifiers: Orphanet 254361, MedGen C3150989, MONDO:0013390, OMIM 613723.
Epidermolysis bullosa simplex with nail dystrophy (EBS5D). Identifiers: MedGen C4225309, MONDO:0014661, OMIM 616487.
Epidermolysis bullosa simplex 5B, with muscular dystrophy (EBS5B). Also called: EPIDERMOLYSIS BULLOSA SIMPLEX AND LIMB-GIRDLE MUSCULAR DYSTROPHY; Epidermolysis bullosa simplex with muscular dystrophy. Identifiers: Orphanet 257, MedGen C2931072, MONDO:0009181, OMIM 226670.
Epidermolysis bullosa simplex 5C, with pyloric atresia (EBS5C). Also called: PLEC-Related Epidermolysis Bullosa with Pyloric Atresia; Epidermolysis bullosa simplex with pyloric atresia; PLEC1-Related Epidermolysis Bullosa with Pyloric Atresia. Identifiers: Orphanet 158684, MedGen C2677349, MONDO:0012807, OMIM 612138.
PLEC-related disorder. Also called: PLEC-related condition; PLEC-related disorders.

Allele frequency attached by ClinVar (database versions not stated): gnomAD 0.00183 and 0.00191; ExAC 0.00222; gnomAD exomes 0.00246; TOPMed 0.00015; ESP Exome Variant Server 0.00031; 1000 Genomes Project 30x 0.00047; 1000 Genomes Project 0.00060.
gnomAD v4.1: 1,637 of 1,613,460 alleles (0.1%); highest among the groups gnomAD compares: Middle Eastern, 0.083%; 19 homozygotes.

Submissions (5):

Labcorp Genetics (formerly Invitae), Labcorp
Classification: Benign for Autosomal recessive limb-girdle muscular dystrophy type 2Q; Epidermolysis bullosa simplex, Ogna type; Epidermolysis bullosa simplex with nail dystrophy; Epidermolysis bullosa simplex 5C, with pyloric atresia; Epidermolysis bullosa simplex 5B, with muscular dystrophy. Last evaluated: 2025-09-28. Review status: criteria provided, single submitter. Criteria: Invitae Variant Classification Sherloc (09022015). Collection method: clinical testing. Allele origin: germline.

PreventionGenetics, part of Exact Sciences
Classification: Likely benign for PLEC-related condition. Last evaluated: 2024-12-06. Review status: criteria provided, single submitter. Criteria: ACMG Guidelines, 2015. Collection method: clinical testing. Allele origin: germline.
Comment: This variant is classified as likely benign based on ACMG/AMP sequence variant interpretation guidelines (Richards et al. 2015 PMID: 25741868, with internal and published modifications).

Blueprint Genetics
Classification: Likely benign. Last evaluated: 2024-11-21. Review status: criteria provided, single submitter. Criteria: ACMG Guidelines, 2015. Collection method: clinical testing. Allele origin: germline.

Athena Diagnostics
Classification: Benign. Last evaluated: 2024-04-25. Review status: criteria provided, single submitter. Criteria: Athena Diagnostics Criteria. Collection method: clinical testing. Allele origin: unknown.

CeGaT Center for Human Genetics Tuebingen
Classification: Likely benign. Last evaluated: 2022-03-01. Review status: criteria provided, single submitter. Criteria: CeGaT Center For Human Genetics Tuebingen Variant Classification Criteria Version 2. Collection method: clinical testing. Allele origin: germline. Affected: yes. Observed: 1 variant allele.
Comment: PLEC: BP4, BP7